The following is an entry in ClinVar:

NM_002055.5(GFAP):c.235del (p.Arg79fs)

Gene: GFAP (glial fibrillary acidic protein; minus strand). Cytogenetic location: 17q21.31.
Variant type: Deletion.
Coding change: c.235del on transcript NM_002055.5 (MANE Select); coding-DNA position 235, one base deleted (C; older notation c.235delC).
Protein change: p.Arg79fs; shifts the reading frame from arginine 79.
Molecular consequence: frameshift variant.
Genome position (GRCh38, 1-based): chr17:44,915,252, G deleted on the plus strand (C on the coding strand, the reverse complement: GFAP is on the minus strand); the first of 2 consecutive G bases (chr17:44,915,252-44,915,253); deleting either gives the same sequence. VCF-style (leftmost placement, unchanged base first): chr17-44915251-CG-C. GRCh37 (hg19) VCF-style: chr17-42992619-CG-C.
Other names: c.235del, p.Arg79fs (NM_001131019.3, NM_001242376.3, NM_001363846.2); short protein forms R79fs.
Identifiers: ClinVar variation 225045 (VCV000225045.3), dbSNP rs869312938, ClinGen allele CA358002.

ClinVar aggregate classification (germline): Uncertain significance (1 of 4 stars; one submission).

Conditions:
Inborn genetic diseases. Identifiers: MedGen C0950123, MeSH D030342.

Submission:

Ambry Genetics
Classification: Uncertain significance for Inborn genetic diseases. Last evaluated: 2014-03-31. Review status: criteria provided, single submitter. Criteria: Ambry Autosomal Dominant and X-Linked criteria (10/2015). Collection method: clinical testing. Allele origin: germline. Observed: 1 variant allele.
Comment: There is insufficient or conflicting evidence for classification of this alteration.